The following is an entry in ClinVar:

ClinVar aggregate classification (germline): Uncertain significance (1 of 4 stars; one submission).

Submission:

Labcorp Genetics (formerly Invitae), Labcorp
Classification: Uncertain significance. Last evaluated: 2022-11-21. Review status: criteria provided, single submitter. Criteria: Invitae Variant Classification Sherloc (09022015). Collection method: clinical testing. Allele origin: germline.
Comment: In summary, the available evidence is currently insufficient to determine the role of this variant in disease. Therefore, it has been classified as a Variant of Uncertain Significance. Advanced modeling of protein sequence and biophysical properties (such as structural, functional, and spatial information, amino acid conservation, physicochemical variation, residue mobility, and thermodynamic stability) performed at Invitae indicates that this missense variant is not expected to disrupt GNAS protein function. This missense change has been observed in individual(s) with clinical features of GNAS-related conditions (PMID: 2640264, 31886927). This variant is not present in population databases (gnomAD no frequency). This sequence change replaces isoleucine, which is neutral and non-polar, with threonine, which is neutral and polar, at codon 56 of the GNAS protein (p.Ile56Thr).

Literature cited by the submitters: PubMed 2640264; PubMed 31886927.

NM_000516.7(GNAS):c.167T>C (p.Ile56Thr)

Gene: GNAS (GNAS complex locus; plus strand). Cytogenetic location: 20q13.32.
Variant type: single nucleotide variant.
Coding change: c.167T>C on transcript NM_000516.7 (MANE Select); coding-DNA position 167, T replaced by C.
Protein change: p.Ile56Thr; replaces isoleucine 56 with threonine.
Molecular consequence: missense variant. On other transcripts: 3 prime UTR variant (3), 5 prime UTR variant (2), non-coding transcript variant (2).
Genome position (GRCh38, 1-based): chr20:58,895,639, T>C. VCF-style: chr20-58895639-T-C. GRCh37 (hg19) VCF-style: chr20-57470694-T-C.
Other names: c.*28T>C (NM_001077490.3); c.-11T>C (NM_001309840.2, NM_001309861.2); c.167T>C, p.Ile56Thr (NM_001309842.2, NM_080426.4, NM_001077488.5 and 1 more transcripts); c.*186T>C (NM_001309883.1); c.71T>C, p.Ile24Thr (NM_001410912.1); c.2096T>C, p.Ile699Thr (NM_001410913.1, NM_080425.4); c.*70T>C (NM_016592.5); short protein forms I24T, I699T, I56T.
Identifiers: ClinVar variation 2736974 (VCV002736974.3), dbSNP rs2516902778, ClinGen allele CA409449635.